The following is an entry in ClinVar:

NM_001122630.2(CDKN1C):c.670C>T (p.Gln224Ter)

Gene: CDKN1C (cyclin dependent kinase inhibitor 1C; minus strand). Cytogenetic location: 11p15.4.
Variant type: single nucleotide variant.
Coding change: c.670C>T on transcript NM_001122630.2 (MANE Select); coding-DNA position 670, C replaced by T.
Protein change: p.Gln224Ter; replaces glutamine 224 with a stop codon.
Molecular consequence: nonsense. On other transcripts: intron variant (1).
Genome position (GRCh38, 1-based): chr11:2,884,787, G>A on the plus strand (C>T on the coding strand, the complement: CDKN1C is on the minus strand). VCF-style: chr11-2884787-G-A. GRCh37 (hg19) VCF-style: chr11-2906017-G-A.
Other names: c.703C>T, p.Gln235Ter (NM_000076.2, NM_001362474.2, LRG_533t1); c.670C>T, p.Gln224Ter (NM_001122631.2); c.255+415C>T (NM_001362475.2); short protein forms Q235*, Q224*.
Identifiers: ClinVar variation 132862 (VCV000132862.2), dbSNP rs483352989, ClinGen allele CA216367198.

ClinVar aggregate classification (germline): Pathogenic (1 of 4 stars; one submission).

Conditions:
IMAGe syndrome. Also called: Intrauterine growth retardation, metaphyseal dysplasia, adrenal hypoplasia congenita, and genital anomalies; Intrauterine Growth Restriction, Metaphyseal Dysplasia, Adrenal Hypoplasia Congenita, and Genital Anomalies. Identifiers: Orphanet 85173, MedGen C1846009, MONDO:0013873, OMIM 614732.

Submission:

Dubai Health Genomic Medicine Center, Dubai Health
Classification: Pathogenic for IMAGE syndrome. Last evaluated: 2024-10-04. Review status: criteria provided, single submitter. Criteria: ACMG Guidelines, 2015. Collection method: research. Allele origin: germline. Affected: yes.
Comment: PVS1, PM2, PP4